The following is an entry in ClinVar:

NM_002835.4(PTPN12):c.288C>T (p.Gly96=)

Gene: PTPN12 (protein tyrosine phosphatase non-receptor type 12; plus strand). Cytogenetic location: 7q11.23.
Variant type: single nucleotide variant.
Coding change: c.288C>T on transcript NM_002835.4 (MANE Select); coding-DNA position 288, C replaced by T.
Protein change: p.Gly96=; no amino-acid change (glycine 96 retained).
Molecular consequence: synonymous variant. On other transcripts: 5 prime UTR variant (1), intron variant (1).
Genome position (GRCh38, 1-based): chr7:77,583,557, C>T. VCF-style: chr7-77583557-C-T. GRCh37 (hg19) VCF-style: chr7-77212874-C-T.
Other names: c.-70C>T (NM_001131008.2); c.-9-1986C>T (NM_001131009.2).
Identifiers: ClinVar variation 3048805 (VCV003048805.2), dbSNP rs369228581, ClinGen allele CA4311450.

ClinVar aggregate classification (germline): Likely benign (0 of 4 stars; one submission).

Conditions:
PTPN12-related disorder. Also called: PTPN12-related condition.

Allele frequency attached by ClinVar (database versions not stated): TOPMed below 0.00001; gnomAD 0.00002; gnomAD exomes 0.00004; ESP Exome Variant Server 0.00008; ExAC 0.00010.
gnomAD v4.1: 57 of 1,588,616 alleles (0.0036%); highest among the groups gnomAD compares: South Asian, 0.029%; no homozygotes.

Submission:

PreventionGenetics, part of Exact Sciences
Classification: Likely benign for PTPN12-related condition. Last evaluated: 2019-11-16. Review status: no assertion criteria provided. Collection method: clinical testing. Allele origin: germline.
Comment: This variant is classified as likely benign based on ACMG/AMP sequence variant interpretation guidelines (Richards et al. 2015 PMID: 25741868, with internal and published modifications).